The following is an entry in ClinVar:

NM_014991.6(WDFY3):c.8568C>A (p.Phe2856Leu)

Gene: WDFY3 (WD repeat and FYVE domain containing 3; minus strand). Cytogenetic location: 4q21.23.
Variant type: single nucleotide variant.
Coding change: c.8568C>A on transcript NM_014991.6 (MANE Select); coding-DNA position 8568, C replaced by A.
Protein change: p.Phe2856Leu; replaces phenylalanine 2856 with leucine.
Molecular consequence: missense variant.
Genome position (GRCh38, 1-based): chr4:84,702,381, G>T on the plus strand (C>A on the coding strand, the complement: WDFY3 is on the minus strand). VCF-style: chr4-84702381-G-T. GRCh37 (hg19) VCF-style: chr4-85623534-G-T.
Other names: short protein forms F2856L.
Identifiers: ClinVar variation 3897339 (VCV003897339.1).
Genomic context (GRCh38, chr4:84,702,381, plus strand): 5'-CATTCCTAAGACAGTGCCATAGCTCTACGTACCTAGATCAAAGTTGTTGGAATTGAACAG[G>T]AATTCTGGTAAATAAAAGAACTCTGGGATAAGTTCTTTTACATCTGCCATATTGTGCTTT-3'
Protein context (NP_055806.2, residues 2846-2866): LIPEFFYLPE[Phe2856Leu]LFNSNNFDLG

ClinVar aggregate classification (germline): Uncertain significance (1 of 4 stars; one submission).

Submission:

GeneDx
Classification: Uncertain significance. Last evaluated: 2024-10-29. Review status: criteria provided, single submitter. Criteria: GeneDx Variant Classification Process June 2021. Collection method: clinical testing. Allele origin: germline. Affected: yes.
Comment: Not observed at significant frequency in large population cohorts (gnomAD); In silico analysis supports that this missense variant has a deleterious effect on protein structure/function; Has not been previously published as pathogenic or benign to our knowledge